The following is an entry in ClinVar:

NM_000326.5(RLBP1):c.795+15C>T

Gene: RLBP1 (retinaldehyde binding protein 1; minus strand). Cytogenetic location: 15q26.1.
Variant type: single nucleotide variant.
Coding change: c.795+15C>T on transcript NM_000326.5 (MANE Select); 15 bases into the intron after coding-DNA position 795, C replaced by T.
Molecular consequence: intron variant.
Genome position (GRCh38, 1-based): chr15:89,210,684, G>A on the plus strand (C>T on the coding strand, the complement: RLBP1 is on the minus strand). VCF-style: chr15-89210684-G-A. GRCh37 (hg19) VCF-style: chr15-89753915-G-A.
Identifiers: ClinVar variation 317236 (VCV000317236.45), dbSNP rs181863443, ClinGen allele CA7722190.

ClinVar aggregate classification (germline): Conflicting classifications of pathogenicity. Review status: criteria provided, conflicting classifications (1 of 4 stars). 7 submissions from 5 submitters: Uncertain significance (1); Benign (4); Likely benign (2). Last evaluated 2026-02-02.

Conditions:
Retinitis pigmentosa (RP). Identifiers: Orphanet 791, MedGen C0035334, MeSH D012174, MONDO:0019200, OMIM 268000. Inheritance: Autosomal dominant, autosomal recessive and X linked inheritance.
Pigmentary retinal dystrophy. Also called: Fundus albipunctatus. Identifiers: Orphanet 227796, Orphanet 52427, MedGen C0311338, MONDO:0007639, OMIM 136880, HP:0030642.
Newfoundland cone-rod dystrophy. Identifiers: MedGen C1843815, MONDO:0011839, OMIM 607476.

Allele frequency attached by ClinVar (database versions not stated): gnomAD 0.00041 and 0.00054; TOPMed 0.00066; gnomAD exomes 0.00105; ExAC 0.00178; 1000 Genomes Project 30x 0.00219; 1000 Genomes Project 0.00240.
gnomAD v4.1: 550 of 1,548,840 alleles (0.036%); highest among the groups gnomAD compares: East Asian, 0.95%; 7 homozygotes.

Submissions (7):

Labcorp Genetics (formerly Invitae), Labcorp
Classification: Benign. Last evaluated: 2026-02-02. Review status: criteria provided, single submitter. Criteria: Invitae Variant Classification Sherloc (09022015). Collection method: clinical testing. Allele origin: germline.

Blueprint Genetics
Classification: Likely benign. Last evaluated: 2024-05-22. Review status: criteria provided, single submitter. Criteria: ACMG Guidelines, 2015. Collection method: clinical testing. Allele origin: germline.

CeGaT Center for Human Genetics Tuebingen
Classification: Benign. Last evaluated: 2022-11-01. Review status: criteria provided, single submitter. Criteria: CeGaT Center For Human Genetics Tuebingen Variant Classification Criteria Version 2. Collection method: clinical testing. Allele origin: germline. Affected: yes. Observed: 1 variant allele.
Comment: RLBP1: BS1, BS2

ARUP Laboratories, Molecular Genetics and Genomics, ARUP Laboratories
Classification: Benign. Last evaluated: 2019-04-18. Review status: criteria provided, single submitter. Criteria: ARUP Molecular Germline Variant Investigation Process. Collection method: clinical testing. Allele origin: germline.

Illumina Laboratory Services, Illumina
Classification: Benign for Newfoundland cone-rod dystrophy. Last evaluated: 2018-01-13. Review status: criteria provided, single submitter. Criteria: ICSL Variant Classification Criteria 13 December 2019. Collection method: clinical testing. Allele origin: germline.
Comment: This variant was observed in the ICSL laboratory as part of a predisposition screen in an ostensibly healthy population. It had not been previously curated by ICSL or reported in the Human Gene Mutation Database (HGMD: prior to June 1st, 2018), and was therefore a candidate for classification through an automated scoring system. Utilizing variant allele frequency, disease prevalence and penetrance estimates, and inheritance mode, an automated score was calculated to assess if this variant is too frequent to cause the disease. Based on the score and internal cut-off values, a variant classified as benign is not then subjected to further curation. The score for this variant resulted in a classification of benign for this disease.

Illumina Laboratory Services, Illumina
Classification: Likely benign for Pigmentary retinal dystrophy. Last evaluated: 2018-01-13. Review status: criteria provided, single submitter. Criteria: ICSL Variant Classification Criteria 13 December 2019. Collection method: clinical testing. Allele origin: germline.
Comment: This variant was observed in the ICSL laboratory as part of a predisposition screen in an ostensibly healthy population. It had not been previously curated by ICSL or reported in the Human Gene Mutation Database (HGMD: prior to June 1st, 2018), and was therefore a candidate for classification through an automated scoring system. Utilizing variant allele frequency, disease prevalence and penetrance estimates, and inheritance mode, an automated score was calculated to assess if this variant is too frequent to cause the disease. Based on the score and internal cut-off values, a variant classified as likely benign is not then subjected to further curation. The score for this variant resulted in a classification of likely benign for this disease.

Illumina Laboratory Services, Illumina
Classification: Uncertain significance for Retinitis pigmentosa. Last evaluated: 2018-01-13. Review status: criteria provided, single submitter. Criteria: ICSL Variant Classification Criteria 13 December 2019. Collection method: clinical testing. Allele origin: germline.